The following is an entry in ClinVar:

ClinVar aggregate classification (germline): Uncertain significance (1 of 4 stars; one submission).

Submission:

Labcorp Genetics (formerly Invitae), Labcorp
Classification: Uncertain significance. Last evaluated: 2025-11-12. Review status: criteria provided, single submitter. Criteria: Invitae Variant Classification Sherloc (09022015). Collection method: clinical testing. Allele origin: germline.
Comment: This sequence change replaces cysteine, which is neutral and slightly polar, with serine, which is neutral and polar, at codon 140 of the LMX1B protein (p.Cys140Ser). This variant is not present in population databases (gnomAD no frequency). This variant has not been reported in the literature in individuals affected with LMX1B-related conditions. Invitae Evidence Modeling of protein sequence and biophysical properties (such as structural, functional, and spatial information, amino acid conservation, physicochemical variation, residue mobility, and thermodynamic stability) indicates that this missense variant is expected to disrupt LMX1B protein function with a positive predictive value of 80%. This variant disrupts the p.Cys140 amino acid residue in LMX1B. Other variant(s) that disrupt this residue have been determined to be pathogenic (internal data). This suggests that this residue is clinically significant, and that variants that disrupt this residue are likely to be disease-causing. In summary, the available evidence is currently insufficient to determine the role of this variant in disease. Therefore, it has been classified as a Variant of Uncertain Significance.

NM_001174147.2(LMX1B):c.419G>C (p.Cys140Ser)

Gene: LMX1B (LIM homeobox transcription factor 1 beta; plus strand). Cytogenetic location: 9q33.3.
Variant type: single nucleotide variant.
Coding change: c.419G>C on transcript NM_001174147.2 (MANE Select); coding-DNA position 419, G replaced by C.
Protein change: p.Cys140Ser; replaces cysteine 140 with serine.
Molecular consequence: missense variant.
Genome position (GRCh38, 1-based): chr9:126,690,928, G>C. VCF-style: chr9-126690928-G-C. GRCh37 (hg19) VCF-style: chr9-129453207-G-C.
Other names: c.419G>C, p.Cys140Ser (NM_001174146.2, NM_002316.4); short protein forms C140S.
Identifiers: ClinVar variation 4806930 (VCV004806930.1).